The following is an entry in ClinVar:

NM_001276345.2(TNNT2):c.584G>T (p.Gly195Val)

Gene: TNNT2 (troponin T2, cardiac type; minus strand). Cytogenetic location: 1q32.1.
Variant type: single nucleotide variant.
Coding change: c.584G>T on transcript NM_001276345.2 (MANE Select); coding-DNA position 584, G replaced by T.
Protein change: p.Gly195Val; replaces glycine 195 with valine.
Molecular consequence: missense variant.
Genome position (GRCh38, 1-based): chr1:201,363,312, C>A on the plus strand (G>T on the coding strand, the complement: TNNT2 is on the minus strand). VCF-style: chr1-201363312-C-A. GRCh37 (hg19) VCF-style: chr1-201332440-C-A.
Other names: c.584G>T, p.Gly195Val (NM_000364.4); c.554G>T, p.Gly185Val (NM_001001430.3, NM_001001431.3, NM_001276347.2); c.539G>T, p.Gly180Val (NM_001001432.3); c.464G>T, p.Gly155Val (NM_001276346.2); short protein forms G195V, G155V, G180V, G185V.
Identifiers: ClinVar variation 1522928 (VCV001522928.8), dbSNP rs1558224822, ClinGen allele CA344204287.

ClinVar aggregate classification (germline): Uncertain significance (1 of 4 stars; one submission).

Conditions:
Dilated cardiomyopathy 1D. Identifiers: Orphanet 154, Orphanet 54260, MedGen C1832243, MONDO:0011095, OMIM 601494.
Hypertrophic cardiomyopathy 2. Also called: TNNT2-Related Familial Hypertrophic Cardiomyopathy. Identifiers: MedGen C1861864, MONDO:0007266, OMIM 115195.
Cardiomyopathy, familial restrictive, 3. Identifiers: Orphanet 75249, MedGen C2676271, MONDO:0012900, OMIM 612422.

Submission:

Labcorp Genetics (formerly Invitae), Labcorp
Classification: Uncertain significance for Cardiomyopathy, familial restrictive, 3; Hypertrophic cardiomyopathy 2; Dilated cardiomyopathy 1D. Last evaluated: 2022-08-15. Review status: criteria provided, single submitter. Criteria: Invitae Variant Classification Sherloc (09022015). Collection method: clinical testing. Allele origin: germline.
Comment: This sequence change replaces glycine, which is neutral and non-polar, with valine, which is neutral and non-polar, at codon 185 of the TNNT2 protein (p.Gly185Val). This variant is not present in population databases (gnomAD no frequency). This variant has not been reported in the literature in individuals affected with TNNT2-related conditions. ClinVar contains an entry for this variant (Variation ID: 1522928). Algorithms developed to predict the effect of missense changes on protein structure and function are either unavailable or do not agree on the potential impact of this missense change (SIFT: "Deleterious"; PolyPhen-2: "Probably Damaging"; Align-GVGD: "Class C0"). In summary, the available evidence is currently insufficient to determine the role of this variant in disease. Therefore, it has been classified as a Variant of Uncertain Significance.